The following is an entry in ClinVar:

NM_001122752.2(SERPINI1):c.260T>C (p.Phe87Ser)

Gene: SERPINI1 (serpin family I member 1; plus strand). Cytogenetic location: 3q26.1.
Variant type: single nucleotide variant.
Coding change: c.260T>C on transcript NM_001122752.2 (MANE Select); coding-DNA position 260, T replaced by C.
Protein change: p.Phe87Ser; replaces phenylalanine 87 with serine.
Molecular consequence: missense variant.
Genome position (GRCh38, 1-based): chr3:167,790,381, T>C. VCF-style: chr3-167790381-T-C. GRCh37 (hg19) VCF-style: chr3-167508169-T-C.
Other names: c.260T>C, p.Phe87Ser (NM_005025.5); c.260T>C (NM_005025.4); short protein forms F87S.
Identifiers: ClinVar variation 2060027 (VCV002060027.5), dbSNP rs755311803, ClinGen allele CA2694770.

ClinVar aggregate classification (germline): Uncertain significance. Review status: criteria provided, multiple submitters, no conflicts (2 of 4 stars). 2 submissions from 2 submitters: Uncertain significance (2). Last evaluated 2024-02-05.

Conditions:
Inborn genetic diseases. Identifiers: MedGen C0950123, MeSH D030342.
Familial encephalopathy with neuroserpin inclusion bodies. Also called: ENCEPHALOPATHY, FAMILIAL, WITH COLLINS BODIES. Identifiers: Orphanet 85110, MedGen C1858680, MONDO:0011412, OMIM 604218.

Allele frequency attached by ClinVar (database versions not stated): gnomAD exomes below 0.00001; ExAC 0.00001; TOPMed 0.00001; gnomAD 0.00002.
gnomAD v4.1: 8 of 1,609,832 alleles (0.0005%); highest among the groups gnomAD compares: East Asian, 0.016%; no homozygotes.

Submissions (2):

Ambry Genetics
Classification: Uncertain significance for Inborn genetic diseases. Last evaluated: 2024-02-05. Review status: criteria provided, single submitter. Criteria: Ambry Variant Classification Scheme 2023. Collection method: clinical testing. Allele origin: germline.

Labcorp Genetics (formerly Invitae), Labcorp
Classification: Uncertain significance for Familial encephalopathy with neuroserpin inclusion bodies. Last evaluated: 2024-01-15. Review status: criteria provided, single submitter. Criteria: Invitae Variant Classification Sherloc (09022015). Collection method: clinical testing. Allele origin: germline.
Comment: This sequence change replaces phenylalanine, which is neutral and non-polar, with serine, which is neutral and polar, at codon 87 of the SERPINI1 protein (p.Phe87Ser). This variant is present in population databases (rs755311803, gnomAD 0.03%). This variant has not been reported in the literature in individuals affected with SERPINI1-related conditions. ClinVar contains an entry for this variant (Variation ID: 2060027). Advanced modeling of protein sequence and biophysical properties (such as structural, functional, and spatial information, amino acid conservation, physicochemical variation, residue mobility, and thermodynamic stability) performed at Invitae indicates that this missense variant is not expected to disrupt SERPINI1 protein function with a negative predictive value of 80%. In summary, the available evidence is currently insufficient to determine the role of this variant in disease. Therefore, it has been classified as a Variant of Uncertain Significance.